The following is an entry in ClinVar:

ClinVar aggregate classification (germline): Uncertain significance. Review status: criteria provided, multiple submitters, no conflicts (2 of 4 stars). 2 submissions from 2 submitters: Uncertain significance (2). Last evaluated 2024-08-16.

Allele frequency attached by ClinVar (database versions not stated): gnomAD 0.00003; ExAC 0.00005; 1000 Genomes Project 0.00040; 1000 Genomes Project 30x 0.00047.
gnomAD v4.1: 35 of 1,613,766 alleles (0.0022%); highest among the groups gnomAD compares: Admixed American, 0.02%; no homozygotes.

Submissions (2):

Blueprint Genetics
Classification: Uncertain significance. Last evaluated: 2024-08-16. Review status: criteria provided, single submitter. Criteria: ACMG Guidelines, 2015. Collection method: clinical testing. Allele origin: germline.

Labcorp Genetics (formerly Invitae), Labcorp
Classification: Uncertain significance. Last evaluated: 2022-10-24. Review status: criteria provided, single submitter. Criteria: Invitae Variant Classification Sherloc (09022015). Collection method: clinical testing. Allele origin: germline.
Comment: This sequence change replaces serine, which is neutral and polar, with cysteine, which is neutral and slightly polar, at codon 331 of the SLC24A1 protein (p.Ser331Cys). This variant is present in population databases (rs574082600, gnomAD 0.03%). This missense change has been observed in individual(s) with retinal disease (PMID: 12037007). Algorithms developed to predict the effect of missense changes on protein structure and function are either unavailable or do not agree on the potential impact of this missense change (SIFT: "Deleterious"; PolyPhen-2: "Possibly Damaging"; Align-GVGD: "Class C0"). In summary, the available evidence is currently insufficient to determine the role of this variant in disease. Therefore, it has been classified as a Variant of Uncertain Significance.

Literature cited by the submitters: PubMed 12037007 (cited by Labcorp Genetics (formerly Invitae), Labcorp).

NM_004727.3(SLC24A1):c.991A>T (p.Ser331Cys)

Gene: SLC24A1 (solute carrier family 24 member 1; plus strand). Cytogenetic location: 15q22.31.
Variant type: single nucleotide variant.
Coding change: c.991A>T on transcript NM_004727.3 (MANE Select); coding-DNA position 991, A replaced by T.
Protein change: p.Ser331Cys; replaces serine 331 with cysteine.
Molecular consequence: missense variant.
Genome position (GRCh38, 1-based): chr15:65,625,071, A>T. VCF-style: chr15-65625071-A-T. GRCh37 (hg19) VCF-style: chr15-65917409-A-T.
Other names: c.991A>T, p.Ser331Cys (NM_001301031.1, NM_001301032.1, NM_001301033.2 and 1 more transcripts); short protein forms S331C.
Identifiers: ClinVar variation 2137721 (VCV002137721.4), dbSNP rs574082600, ClinGen allele CA7619835.